The following is an entry in ClinVar:

NM_022356.4(P3H1):c.41C>G (p.Ala14Gly)

Gene: P3H1 (prolyl 3-hydroxylase 1; minus strand). Cytogenetic location: 1p34.2.
Variant type: single nucleotide variant.
Coding change: c.41C>G on transcript NM_022356.4 (MANE Select); coding-DNA position 41, C replaced by G.
Protein change: p.Ala14Gly; replaces alanine 14 with glycine.
Molecular consequence: missense variant.
Genome position (GRCh38, 1-based): chr1:42,766,931, G>C on the plus strand (C>G on the coding strand, the complement: P3H1 is on the minus strand). VCF-style: chr1-42766931-G-C. GRCh37 (hg19) VCF-style: chr1-43232602-G-C.
Other names: c.41C>G, p.Ala14Gly (NM_001243246.2, NM_001146289.2); short protein forms A14G.
Identifiers: ClinVar variation 1707924 (VCV001707924.8), dbSNP rs368402870, ClinGen allele CA802243.

ClinVar aggregate classification (germline): Uncertain significance. Review status: criteria provided, multiple submitters, no conflicts (2 of 4 stars). 6 submissions from 6 submitters: Uncertain significance (6). Last evaluated 2025-10-04.

Conditions:
Osteogenesis imperfecta type 8 (OI8). Identifiers: MedGen C1970458, MONDO:0012581, OMIM 610915.
P3H1-related disorder. Also called: P3H1-related condition.
Inborn genetic diseases. Identifiers: MedGen C0950123, MeSH D030342.

Allele frequency attached by ClinVar (database versions not stated): ExAC 0.00001; TOPMed 0.00001.
gnomAD v4.1: 26 of 1,609,480 alleles (0.0016%); highest among the groups gnomAD compares: East Asian, 0.0067%; 1 homozygote.

Submissions (6):

PreventionGenetics, part of Exact Sciences
Classification: Uncertain significance for P3H1-related condition. Last evaluated: 2025-10-04. Review status: criteria provided, single submitter. Criteria: ACMG Guidelines, 2015. Collection method: clinical testing. Allele origin: germline.
Comment: The P3H1 c.41C>G variant is predicted to result in the amino acid substitution p.Ala14Gly. To our knowledge, this variant has not been reported in the literature. This variant is reported in 0.0033% of alleles in individuals of South Asian descent in gnomAD. At this time, the clinical significance of this variant is uncertain due to the absence of conclusive functional and genetic evidence.

Ambry Genetics
Classification: Uncertain significance for Inborn genetic diseases. Last evaluated: 2024-11-26. Review status: criteria provided, single submitter. Criteria: Ambry Variant Classification Scheme 2023. Collection method: clinical testing. Allele origin: germline.

Blueprint Genetics
Classification: Uncertain significance. Last evaluated: 2024-05-21. Review status: criteria provided, single submitter. Criteria: ACMG Guidelines, 2015. Collection method: clinical testing. Allele origin: germline.

Genome-Nilou Lab
Classification: Uncertain significance for Osteogenesis imperfecta type 8. Last evaluated: 2023-04-11. Review status: criteria provided, single submitter. Criteria: ACMG Guidelines, 2015. Collection method: clinical testing. Allele origin: germline. Affected: no.

GeneDx
Classification: Uncertain significance. Last evaluated: 2022-03-28. Review status: criteria provided, single submitter. Criteria: GeneDx Variant Classification Process June 2021. Collection method: clinical testing. Allele origin: germline. Affected: yes.
Comment: In silico analysis supports that this missense variant does not alter protein structure/function; Has not been previously published as pathogenic or benign to our knowledge

Labcorp Genetics (formerly Invitae), Labcorp
Classification: Uncertain significance for Osteogenesis imperfecta type 8. Last evaluated: 2022-02-18. Review status: criteria provided, single submitter. Criteria: Invitae Variant Classification Sherloc (09022015). Collection method: clinical testing. Allele origin: germline.
Comment: This sequence change replaces alanine, which is neutral and non-polar, with glycine, which is neutral and non-polar, at codon 14 of the P3H1 protein (p.Ala14Gly). This variant is present in population databases (rs368402870, gnomAD 0.006%). This variant has not been reported in the literature in individuals affected with P3H1-related conditions. Algorithms developed to predict the effect of missense changes on protein structure and function are either unavailable or do not agree on the potential impact of this missense change (SIFT: "Tolerated"; PolyPhen-2: "Not Available"; Align-GVGD: "Class C0"). In summary, the available evidence is currently insufficient to determine the role of this variant in disease. Therefore, it has been classified as a Variant of Uncertain Significance.